The following is an entry in ClinVar:

ClinVar aggregate classification (germline): Likely benign. Review status: criteria provided, single submitter (1 of 4 stars). 2 submissions from 2 submitters: Likely benign (1). 1 of the submissions does not count toward it. Last evaluated 2026-01-27.

Conditions:
ATP6V0A2-related disorder. Also called: ATP6V0A2-related condition.
ALG9 congenital disorder of glycosylation (CDG1L). Also called: CONGENITAL DISORDER OF GLYCOSYLATION, TYPE Il; ALG9-CDG; CDG Il. Identifiers: Orphanet 79328, MedGen C2931006, MONDO:0012117, OMIM 608776.

Allele frequency attached by ClinVar (database versions not stated): ESP Exome Variant Server 0.00015; ExAC 0.00017.
gnomAD v4.1: 49 of 1,604,990 alleles (0.0031%); highest among the groups gnomAD compares: East Asian, 0.049%; no homozygotes.

Submissions (2):

Labcorp Genetics (formerly Invitae), Labcorp
Classification: Likely benign for ALG9 congenital disorder of glycosylation. Last evaluated: 2026-01-27. Review status: criteria provided, single submitter. Criteria: Invitae Variant Classification Sherloc (09022015). Collection method: clinical testing. Allele origin: germline.

PreventionGenetics, part of Exact Sciences
Classification: Likely benign for ATP6V0A2-related condition. Last evaluated: 2019-02-19. Review status: no assertion criteria provided. Collection method: clinical testing. Allele origin: germline. Not counted in ClinVar's aggregate classification.
Comment: This variant is classified as likely benign based on ACMG/AMP sequence variant interpretation guidelines (Richards et al. 2015 PMID: 25741868, with internal and published modifications).

NM_012463.4(ATP6V0A2):c.117+10G>A

Genes: ATP6V0A2 (ATPase H+ transporting V0 subunit a2; plus strand), LOC130009117 (ATAC-STARR-seq lymphoblastoid silent region 5049; plus strand). Cytogenetic location: 12q24.31.
Variant type: single nucleotide variant.
Coding change: c.117+10G>A on transcript NM_012463.4 (MANE Select); 10 bases into the intron after coding-DNA position 117, G replaced by A.
Molecular consequence: intron variant.
Genome position (GRCh38, 1-based): chr12:123,712,692, G>A. VCF-style: chr12-123712692-G-A. GRCh37 (hg19) VCF-style: chr12-124197239-G-A.
Other names: c.117+10G>A (NM_012463.3).
Identifiers: ClinVar variation 2843216 (VCV002843216.5), dbSNP rs373099643, ClinGen allele CA6861477.
Genomic context (GRCh38, chr12:123,712,692, plus strand): 5'-TACGAGTGCCTCAGCGCCCTGGGCGAGAAAGGCCTGGTCCAGTTCCGAGACGTGAGTGTC[G>A]CCCGGGAGACGCGGGCCGCACCTGCTCTCCTGGCGCCCCCAATCCCGCGCATCGCTGGGG-3'